The following is an entry in ClinVar:

ClinVar aggregate classification (germline): Likely pathogenic (1 of 4 stars; one submission).

Conditions:
Intellectual developmental disorder, X-linked 30. Also called: MENTAL RETARDATION, X-LINKED 47; Intellectual disability, X-linked 30. Identifiers: Orphanet 777, MedGen C0796237, MONDO:0010361, OMIM 300558.

Submission:

Groupe Hospitalier Pitie Salpetriere, Uf Genomique Du Developpement, Assistance Publique Hopitaux de Paris Sorbonne Université
Classification: Likely pathogenic for Intellectual developmental disorder, X-linked 30. Last evaluated: 2023-06-18. Review status: criteria provided, single submitter. Criteria: ACMG Guidelines, 2015. Collection method: clinical testing, in vitro. Allele origin: germline, not applicable. Affected: yes. Functional consequence: skipped exon.

NM_002578.5(PAK3):c.766+3G>T

Gene: PAK3 (p21 (RAC1) activated kinase 3; plus strand). Cytogenetic location: Xq23.
Variant type: single nucleotide variant.
Coding change: c.766+3G>T on transcript NM_002578.5 (MANE Select); 3 bases into the intron after coding-DNA position 766, G replaced by T.
Molecular consequence: intron variant.
Genome position (GRCh38, 1-based): chrX:111,163,730, G>T. VCF-style: chrX-111163730-G-T. GRCh37 (hg19) VCF-style: chrX-110406958-G-T.
Other names: c.766+3G>T (NM_001128166.3, NM_001324325.2, NM_001324330.2 and 5 more transcripts); c.874+3G>T (NM_001128168.3); c.811+3G>T (NM_001128173.3, NM_001324329.2, NM_001324327.2 and 2 more transcripts); c.829+3G>T (NM_001128172.2).
Identifiers: ClinVar variation 4813355 (VCV004813355.1).